The following is an entry in ClinVar:

NM_000088.4(COL1A1):c.3647A>G (p.Tyr1216Cys)

Gene: COL1A1 (collagen type I alpha 1 chain; minus strand). Cytogenetic location: 17q21.33.
Variant type: single nucleotide variant.
Coding change: c.3647A>G on transcript NM_000088.4 (MANE Select); coding-DNA position 3647, A replaced by G.
Protein change: p.Tyr1216Cys; replaces tyrosine 1216 with cysteine.
Molecular consequence: missense variant.
Genome position (GRCh38, 1-based): chr17:50,186,807, T>C on the plus strand (A>G on the coding strand, the complement: COL1A1 is on the minus strand). VCF-style: chr17-50186807-T-C. GRCh37 (hg19) VCF-style: chr17-48264168-T-C.
Other names: short protein forms Y1216C.
Identifiers: ClinVar variation 456776 (VCV000456776.13), dbSNP rs1555571849, ClinGen allele CA400197506.

ClinVar aggregate classification (germline): Pathogenic/Likely pathogenic. Review status: criteria provided, multiple submitters, no conflicts (2 of 4 stars). 3 submissions from 3 submitters: Pathogenic (2); Likely pathogenic (1). Last evaluated 2024-03-02.

Conditions:
COL1A1-related disorder. Also called: COL1A1-related condition; COL1A1- related disease.
Osteogenesis imperfecta type I (OI1). Also called: OI, TYPE I; OSTEOGENESIS IMPERFECTA TARDA; OSTEOGENESIS IMPERFECTA WITH BLUE SCLERAE; Osteogenesis imperfecta type 1; Classic Non-deforming Osteogenesis Imperfecta with Blue Sclerae; Lobstein's Disease. Identifiers: Orphanet 216796, Orphanet 666, MedGen C0023931, MONDO:0008146, OMIM 166200. Disease mechanism: loss of function.

Submissions (3):

Labcorp Genetics (formerly Invitae), Labcorp
Classification: Pathogenic for Osteogenesis imperfecta type I. Last evaluated: 2024-03-02. Review status: criteria provided, single submitter. Criteria: Invitae Variant Classification Sherloc (09022015). Collection method: clinical testing. Allele origin: germline.
Comment: This sequence change replaces tyrosine, which is neutral and polar, with cysteine, which is neutral and slightly polar, at codon 1216 of the COL1A1 protein (p.Tyr1216Cys). This variant is not present in population databases (gnomAD no frequency). This missense change has been observed in individual(s) with unspecified osteogenesis imperfecta (OI) or OI type III (PMID: 23929220, 26402641; Invitae). In at least one individual the variant was observed to be de novo. ClinVar contains an entry for this variant (Variation ID: 456776). Advanced modeling of protein sequence and biophysical properties (such as structural, functional, and spatial information, amino acid conservation, physicochemical variation, residue mobility, and thermodynamic stability) has been performed at Invitae for this missense variant, however the output from this modeling did not meet the statistical confidence thresholds required to predict the impact of this variant on COL1A1 protein function. For these reasons, this variant has been classified as Pathogenic.

Blueprint Genetics
Classification: Pathogenic for COL1A1-related disorders. Last evaluated: 2020-01-17. Review status: criteria provided, single submitter. Criteria: ACMG Guidelines, 2015. Collection method: clinical testing. Allele origin: germline. Affected: yes. Observed: 1 variant allele.

GeneDx
Classification: Likely pathogenic. Last evaluated: 2019-06-14. Review status: criteria provided, single submitter. Criteria: GeneDx Variant Classification Process June 2021. Collection method: clinical testing. Allele origin: germline. Affected: yes.
Comment: Not observed in large population cohorts (Lek et al., 2016); In silico analysis, which includes protein predictors and evolutionary conservation, supports a deleterious effect; This variant is associated with the following publications: (PMID: 26402641, 27509835, 23929220)

Literature cited by the submitters: PubMed 23929220 (cited by Labcorp Genetics (formerly Invitae), Labcorp); PubMed 26402641 (cited by Labcorp Genetics (formerly Invitae), Labcorp).